The following is an entry in ClinVar:

NM_000430.4(PAFAH1B1):c.755G>C (p.Cys252Ser)

Gene: PAFAH1B1 (platelet activating factor acetylhydrolase 1b regulatory subunit 1; plus strand). Cytogenetic location: 17p13.3.
Variant type: single nucleotide variant.
Coding change: c.755G>C on transcript NM_000430.4 (MANE Select); coding-DNA position 755, G replaced by C.
Protein change: p.Cys252Ser; replaces cysteine 252 with serine.
Molecular consequence: missense variant.
Genome position (GRCh38, 1-based): chr17:2,674,143, G>C. VCF-style: chr17-2674143-G-C. GRCh37 (hg19) VCF-style: chr17-2577437-G-C.
Other names: c.755G>C (NM_000430.3); short protein forms C252S.
Identifiers: ClinVar variation 1484487 (VCV001484487.8), dbSNP rs140360173, ClinGen allele CA8283254.

ClinVar aggregate classification (germline): Conflicting classifications of pathogenicity. Review status: criteria provided, conflicting classifications (1 of 4 stars). 3 submissions from 3 submitters: Uncertain significance (2); Likely benign (1). Last evaluated 2024-10-28.

Conditions:
PAFAH1B1-related disorder. Also called: PAFAH1B1-related condition.
Lissencephaly due to LIS1 mutation (LIS1). Also called: PAFAH1B1-Associated Lissencephaly/Subcortical Band Heterotopia; PAFAH1B1-Related Lissencephaly/Subcortical Band Heterotopia; Isolated Lissencephaly Sequence. Identifiers: Orphanet 95232, MedGen C4749301, MONDO:0011830, OMIM 607432.

Allele frequency attached by ClinVar (database versions not stated): ExAC 0.00002; gnomAD exomes 0.00002 and 0.00003; TOPMed 0.00003; gnomAD 0.00004; ESP Exome Variant Server 0.00008.
gnomAD v4.1: 28 of 1,613,980 alleles (0.0017%); highest among the groups gnomAD compares: Non-Finnish European, 0.0024%; no homozygotes.

Submissions (3):

PreventionGenetics, part of Exact Sciences
Classification: Likely benign for PAFAH1B1-related condition. Last evaluated: 2024-10-28. Review status: criteria provided, single submitter. Criteria: ACMG Guidelines, 2015. Collection method: clinical testing. Allele origin: germline.
Comment: This variant is classified as likely benign based on ACMG/AMP sequence variant interpretation guidelines (Richards et al. 2015 PMID: 25741868, with internal and published modifications).

Labcorp Genetics (formerly Invitae), Labcorp
Classification: Uncertain significance. Last evaluated: 2023-01-22. Review status: criteria provided, single submitter. Criteria: Invitae Variant Classification Sherloc (09022015). Collection method: clinical testing. Allele origin: germline.
Comment: ClinVar contains an entry for this variant (Variation ID: 1484487). This variant has not been reported in the literature in individuals affected with PAFAH1B1-related conditions. This variant is present in population databases (rs140360173, gnomAD 0.006%). This sequence change replaces cysteine, which is neutral and slightly polar, with serine, which is neutral and polar, at codon 252 of the PAFAH1B1 protein (p.Cys252Ser). Algorithms developed to predict the effect of missense changes on protein structure and function are either unavailable or do not agree on the potential impact of this missense change (SIFT: "Tolerated"; PolyPhen-2: "Possibly Damaging"; Align-GVGD: "Class C0"). In summary, the available evidence is currently insufficient to determine the role of this variant in disease. Therefore, it has been classified as a Variant of Uncertain Significance.

Fulgent Genetics
Classification: Uncertain significance for Lissencephaly due to LIS1 mutation. Last evaluated: 2022-04-20. Review status: criteria provided, single submitter. Criteria: ACMG Guidelines, 2015. Collection method: clinical testing. Allele origin: unknown.